The following is an entry in ClinVar:

ClinVar aggregate classification (germline): Uncertain significance (1 of 4 stars; one submission).

Conditions:
Immunodeficiency 39 (IMD39). Identifiers: Orphanet 574918, MedGen C4225358, MONDO:0014597, OMIM 616345.

Allele frequency attached by ClinVar (database versions not stated): ExAC 0.00002; gnomAD exomes 0.00003; TOPMed 0.00003; gnomAD 0.00004.

Submission:

Labcorp Genetics (formerly Invitae), Labcorp
Classification: Uncertain significance for Immunodeficiency 39. Last evaluated: 2023-06-29. Review status: criteria provided, single submitter. Criteria: Invitae Variant Classification Sherloc (09022015). Collection method: clinical testing. Allele origin: germline.
Comment: The frequency data for this variant in the population databases is considered unreliable, as metrics indicate poor data quality at this position in the gnomAD database. This sequence change replaces alanine, which is neutral and non-polar, with valine, which is neutral and non-polar, at codon 199 of the IRF7 protein (p.Ala199Val). This variant has not been reported in the literature in individuals affected with IRF7-related conditions. In summary, the available evidence is currently insufficient to determine the role of this variant in disease. Therefore, it has been classified as a Variant of Uncertain Significance. Algorithms developed to predict the effect of sequence changes on RNA splicing suggest that this variant may create or strengthen a splice site. Advanced modeling of protein sequence and biophysical properties (such as structural, functional, and spatial information, amino acid conservation, physicochemical variation, residue mobility, and thermodynamic stability) performed at Invitae indicates that this missense variant is not expected to disrupt IRF7 protein function.

NM_001572.5(IRF7):c.557C>T (p.Ala186Val)

Gene: IRF7 (interferon regulatory factor 7; minus strand). Cytogenetic location: 11p15.5.
Variant type: single nucleotide variant.
Coding change: c.557C>T on transcript NM_001572.5 (MANE Select); coding-DNA position 557, C replaced by T.
Protein change: p.Ala186Val; replaces alanine 186 with valine.
Molecular consequence: missense variant.
Genome position (GRCh38, 1-based): chr11:614,296, G>A on the plus strand (C>T on the coding strand, the complement: IRF7 is on the minus strand). VCF-style: chr11-614296-G-A. GRCh37 (hg19) VCF-style: chr11-614296-G-A.
Other names: c.557C>T, p.Ala186Val (NM_004029.4); c.596C>T, p.Ala199Val (NM_004031.4); short protein forms A186V, A199V.
Identifiers: ClinVar variation 2766049 (VCV002766049.3), dbSNP rs751293905, ClinGen allele CA5783912.
Genomic context (GRCh38, chr11:614,296, plus strand): 5'-ACTGGATCTGCCCCCCATGACGCTGTCAGCAGATGGTCTGCCAGGCAGCTCTGTTGCACT[G>A]CCTGGAGCAGGAGGTCCCCCTTGTCACCAGCTGGGGCAGGGAGGGGGCCTGGGGCTTGGA-3'
Protein context (NP_001563.2, residues 176-196): AGDKGDLLLQ[Ala186Val]VQQSCLADHL